The following is an entry in ClinVar:

ClinVar aggregate classification (germline): Uncertain significance. Review status: criteria provided, multiple submitters, no conflicts (2 of 4 stars). 2 submissions from 2 submitters: Uncertain significance (2). Last evaluated 2025-10-14.

Conditions:
Hereditary cancer-predisposing syndrome. Also called: Tumor predisposition; Neoplastic Syndromes, Hereditary; Hereditary neoplastic syndrome; Hereditary Cancer Syndrome. Identifiers: Orphanet 140162, MedGen C0027672, MeSH D009386, MONDO:0015356.
Familial cancer of breast. Also called: Hereditary breast cancer; hereditary breast carcinoma; BREAST CANCER, FAMILIAL. Identifiers: Orphanet 227535, MedGen C0346153, MONDO:0016419, OMIM 114480. Disease mechanism: loss of function.

Submissions (2):

Ambry Genetics
Classification: Uncertain significance for Hereditary cancer-predisposing syndrome. Last evaluated: 2025-10-14. Review status: criteria provided, single submitter. Criteria: Ambry Variant Classification Scheme 2023. Collection method: clinical testing. Allele origin: germline.
Comment: The p.E301G variant (also known as c.902A>G), located in coding exon 4 of the BARD1 gene, results from an A to G substitution at nucleotide position 902. The glutamic acid at codon 301 is replaced by glycine, an amino acid with similar properties. This amino acid position is conserved. In addition, this alteration is predicted to be tolerated by in silico analysis. Based on the available evidence, the clinical significance of this variant remains unclear.

Labcorp Genetics (formerly Invitae), Labcorp
Classification: Uncertain significance for Familial cancer of breast. Last evaluated: 2022-01-26. Review status: criteria provided, single submitter. Criteria: Invitae Variant Classification Sherloc (09022015). Collection method: clinical testing. Allele origin: germline.
Comment: This sequence change replaces glutamic acid, which is acidic and polar, with glycine, which is neutral and non-polar, at codon 301 of the BARD1 protein (p.Glu301Gly). This variant is not present in population databases (gnomAD no frequency). This variant has not been reported in the literature in individuals affected with BARD1-related conditions. Algorithms developed to predict the effect of missense changes on protein structure and function (SIFT, PolyPhen-2, Align-GVGD) all suggest that this variant is likely to be tolerated. In summary, the available evidence is currently insufficient to determine the role of this variant in disease. Therefore, it has been classified as a Variant of Uncertain Significance.

NM_000465.4(BARD1):c.902A>G (p.Glu301Gly)

Gene: BARD1 (BRCA1 associated RING domain 1; minus strand). Cytogenetic location: 2q35.
Variant type: single nucleotide variant.
Coding change: c.902A>G on transcript NM_000465.4 (MANE Select); coding-DNA position 902, A replaced by G.
Protein change: p.Glu301Gly; replaces glutamic acid 301 with glycine.
Molecular consequence: missense variant. On other transcripts: non-coding transcript variant (2), intron variant (3).
Genome position (GRCh38, 1-based): chr2:214,780,972, T>C on the plus strand (A>G on the coding strand, the complement: BARD1 is on the minus strand). VCF-style: chr2-214780972-T-C. GRCh37 (hg19) VCF-style: chr2-215645696-T-C.
Other names: c.902A>G (NM_000465.2); c.845A>G, p.Glu282Gly (NM_001282543.2); c.159-28417A>G (NM_001282548.2); c.215+16089A>G (NM_001282545.2); c.364+11325A>G (NM_001282549.2); short protein forms E282G, E301G.
Identifiers: ClinVar variation 1515194 (VCV001515194.10), dbSNP rs2106109867, ClinGen allele CA350455117.